The following is an entry in ClinVar:

ClinVar aggregate classification (germline): Likely pathogenic (1 of 4 stars; one submission).

Conditions:
TWNK-related disorder. Also called: TWNK-related condition.

Submission:

Greenwood Genetic Center Diagnostic Laboratories, Greenwood Genetic Center
Classification: Likely pathogenic for TWNK-related disorder. Last evaluated: 2023-04-18. Review status: criteria provided, single submitter. Criteria: ACMG Guidelines, 2015. Collection method: clinical testing. Allele origin: germline. Affected: yes.
Comment: PVS1, PM2

NM_021830.5(TWNK):c.252dup (p.Ala85fs)

Gene: TWNK (twinkle mtDNA helicase; plus strand). Cytogenetic location: 10q24.31.
Variant type: Duplication.
Coding change: c.252dup on transcript NM_021830.5 (MANE Select); coding-DNA position 252, one base duplicated (T; older notation c.252dupT).
Protein change: p.Ala85fs; shifts the reading frame from alanine 85.
Molecular consequence: frameshift variant. On other transcripts: non-coding transcript variant (4), intron variant (3).
Genome position (GRCh38, 1-based): chr10:100,988,462, T duplicated; the last of 3 consecutive T bases (chr10:100,988,460-100,988,462); duplicating any one gives the same sequence. VCF-style (leftmost placement, unchanged base first): chr10-100988459-C-CT. GRCh37 (hg19) VCF-style: chr10-102748216-C-CT.
Other names: c.252dup, p.Ala85fs (NM_001163812.2); c.-120+849dup (NM_001163814.2, NM_001163813.2); c.-58+849dup (NM_001368275.1); short protein forms A85fs.
Identifiers: ClinVar variation 2572341 (VCV002572341.1), dbSNP rs2493626854, ClinGen allele CA2580615591.